The following is an entry in ClinVar:

NM_000059.4(BRCA2):c.3451A>G (p.Ile1151Val)

Gene: BRCA2 (BRCA2 DNA repair associated; plus strand). Cytogenetic location: 13q13.1.
Variant type: single nucleotide variant.
Coding change: c.3451A>G on transcript NM_000059.4 (MANE Select); coding-DNA position 3451, A replaced by G.
Protein change: p.Ile1151Val; replaces isoleucine 1151 with valine.
Molecular consequence: missense variant.
Genome position (GRCh38, 1-based): chr13:32,337,806, A>G. VCF-style: chr13-32337806-A-G. GRCh37 (hg19) VCF-style: chr13-32911943-A-G.
Other names: 3679A>G; short protein forms I1151V.
Identifiers: ClinVar variation 51467 (VCV000051467.25), dbSNP rs80358591, ClinGen allele CA018064.

ClinVar aggregate classification (germline): Conflicting classifications of pathogenicity. Review status: criteria provided, conflicting classifications (1 of 4 stars). 10 submissions from 10 submitters: Uncertain significance (5); Likely benign (2). 3 of the submissions do not count toward it. Last evaluated 2025-12-03.

Conditions:
BRCA2-related disorder. Also called: BRCA2-related condition; BRCA2-related disorders. Identifiers: MedGen CN239275.
Hereditary cancer-predisposing syndrome. Also called: Hereditary Cancer Syndrome; Neoplastic Syndromes, Hereditary; Hereditary neoplastic syndrome; Tumor predisposition. Identifiers: Orphanet 140162, MedGen C0027672, MeSH D009386, MONDO:0015356.
Hereditary breast ovarian cancer syndrome. Also called: Hereditary breast and ovarian cancer syndrome; Breast and ovarian cancer; BRCA1- and BRCA2-Associated Hereditary Breast and Ovarian Cancer; Hereditary breast and/or ovarian cancer syndrome; Hereditary breast and ovarian cancer; Hereditary breast and ovarian cancer syndrome (HBOC). Identifiers: Orphanet 145, MedGen C0677776, MeSH D061325, MONDO:0003582. Disease mechanism: loss of function.
Breast-ovarian cancer, familial, susceptibility to, 2 (BROVCA2). Also called: BRCA2 Hereditary Breast and Ovarian Cancer. Identifiers: Orphanet 145, MedGen C2675520, MONDO:0012933, OMIM 612555. Disease mechanism: loss of function.

Allele frequency attached by ClinVar (database versions not stated): gnomAD 0.00001; TOPMed 0.00002.
gnomAD v4.1: 4 of 1,613,996 alleles (0.00025%); highest among the groups gnomAD compares: African/African-American, 0.0027%; no homozygotes.

Submissions (10):

Labcorp Genetics (formerly Invitae), Labcorp
Classification: Uncertain significance for Hereditary breast ovarian cancer syndrome. Last evaluated: 2025-12-03. Review status: criteria provided, single submitter. Criteria: Invitae Variant Classification Sherloc (09022015). Collection method: clinical testing. Allele origin: germline.
Comment: This sequence change replaces isoleucine, which is neutral and non-polar, with valine, which is neutral and non-polar, at codon 1151 of the BRCA2 protein (p.Ile1151Val). This variant is present in population databases (rs80358591, gnomAD 0.0009%). This variant has not been reported in the literature in individuals affected with BRCA2-related conditions. ClinVar contains an entry for this variant (Variation ID: 51467). Invitae Evidence Modeling of protein sequence and biophysical properties (such as structural, functional, and spatial information, amino acid conservation, physicochemical variation, residue mobility, and thermodynamic stability) indicates that this missense variant is not expected to disrupt BRCA2 protein function with a negative predictive value of 95%. In summary, the available evidence is currently insufficient to determine the role of this variant in disease. Therefore, it has been classified as a Variant of Uncertain Significance.

PreventionGenetics, part of Exact Sciences
Classification: Uncertain significance for BRCA2-related condition. Last evaluated: 2025-05-29. Review status: criteria provided, single submitter. Criteria: ACMG Guidelines, 2015. Collection method: clinical testing. Allele origin: germline.
Comment: The BRCA2 c.3451A>G variant is predicted to result in the amino acid substitution p.Ile1151Val. This variant has been analyzed in a multifactorial likelihood quantitative analysis of BRCA1 and BRCA2 variants; however, clinical or functional data for this variant was not included in this study (SuppT1 and SuppT2, Parsons et al. 2019. PubMed ID: 31131967). This variant is reported in 0.00088% of alleles in individuals of European (Non-Finnish) descent in gnomAD. This variant has conflicting interpretations regarding its pathogenicity in ClinVar ranging from likely benign to uncertain. Of note, another variant impacting the same amino acid residues (p.Ile1151Met) has been reported in a cohort of breast and ovarian cancer families (Table S2, Azzollini et al. 2016. PubMed ID: 27062684) and has been identified in carrier screening of the Chinese Han population (Supplementary Table 1 in Dong et al. 2021. PubMed ID: 32467295). At this time, the clinical significance of the c.3451A>G (p.Ile1151Val) variant is uncertain due to the absence of conclusive functional and genetic evidence.

Color Diagnostics, LLC DBA Color Health
Classification: Uncertain significance for Hereditary cancer-predisposing syndrome. Last evaluated: 2024-07-10. Review status: criteria provided, single submitter. Criteria: ACMG Guidelines, 2015. Collection method: clinical testing. Allele origin: germline.
Comment: This missense variant replaces isoleucine with valine at codon 1151 of the BRCA2 protein. Computational prediction suggests that this variant may not impact protein structure and function. To our knowledge, functional studies have not been reported for this variant. This variant has been detected in a breast cancer case-control meta-analysis in 2/60463 cases and 1/53461 unaffected individuals (PMID: 33471991; Leiden Open Variation Database DB-ID BRCA2_008070). A multifactorial analysis has reported co-occurrence and family history likelihood ratios for pathogenicity of 1.0757 and 1.1094, respectively (PMID: 31131967). This variant also has been reported in 1 individual age 70 years or older without cancer in the FLOSSIES database. This variant has been identified in 1/251004 chromosomes in the general population by the Genome Aggregation Database (gnomAD). The available evidence is insufficient to determine the role of this variant in disease conclusively. Therefore, this variant is classified as a Variant of Uncertain Significance.

University of Washington Department of Laboratory Medicine, University of Washington
Classification: Likely benign for Hereditary cancer-predisposing syndrome. Last evaluated: 2023-03-23. Review status: criteria provided, single submitter. Criteria: Dines et al. (Genet Med. 2020). Collection method: curation. Allele origin: germline.
Comment: Missense variant in a coldspot region where missense variants are very unlikely to be pathogenic (PMID:31911673).

BRCA2 exon 11 coldspot. Reclassification based on statistical prior probability.

GeneDx
Classification: Uncertain significance. Last evaluated: 2021-08-02. Review status: criteria provided, single submitter. Criteria: GeneDx Variant Classification Process June 2021. Collection method: clinical testing. Allele origin: germline. Affected: yes.
Comment: Not observed at significant frequency in large population cohorts (Lek 2016); In silico analysis supports that this missense variant does not alter protein structure/function; Has not been previously published as pathogenic or benign to our knowledge; Also known as BRCA2 3679A>G; This variant is associated with the following publications: (PMID: 31131967)

Women's Health and Genetics/Laboratory Corporation of America, LabCorp
Classification: Uncertain significance. Last evaluated: 2018-02-23. Review status: criteria provided, single submitter. Criteria: LabCorp Variant Classification Summary - May 2015. Collection method: clinical testing. Allele origin: germline.
Comment: Variant summary: BRCA2 c.3451A>G (p.Ile1151Val) alters a non-conserved nucleotide resulting in a conservative amino acid change in the BRCA2 repeat region (IPR002093) of the encoded protein sequence. Five of five in-silico tools predict a benign effect of the variant on protein function. The variant allele was found at a frequency of 4.1e-06 in 245786 control chromosomes. The available data on variant occurrences in the general population are insufficient to allow any conclusion about variant significance. To our knowledge, no occurrence of c.3451A>G in individuals affected with Hereditary Breast and Ovarian Cancer and no experimental evidence demonstrating its impact on protein function have been reported. Three clinical diagnostic laboratories have submitted clinical-significance assessments for this variant to ClinVar after 2014 without evidence for independent evaluation. All laboratories classified the variant as uncertain significance. Based on the evidence outlined above, the variant was classified as uncertain significance.

Ambry Genetics
Classification: Likely benign for Hereditary cancer-predisposing syndrome. Last evaluated: 2017-03-17. Review status: criteria provided, single submitter. Criteria: Ambry Variant Classification Scheme 2023. Collection method: clinical testing. Allele origin: germline.

Sharing Clinical Reports Project (SCRP)
Classification: Uncertain significance for Breast-ovarian cancer, familial 2. Last evaluated: 2013-08-22. Review status: no assertion criteria provided. Collection method: clinical testing. Allele origin: germline. Not counted in ClinVar's aggregate classification.

Breast Cancer Information Core (BIC) (BRCA2)
Classification: Uncertain significance for Breast-ovarian cancer, familial 2. Last evaluated: 2001-10-29. Review status: no assertion criteria provided. Collection method: clinical testing. Allele origin: germline. Affected: yes. Observed: 1 variant allele. Not counted in ClinVar's aggregate classification.

Department of Pathology and Laboratory Medicine, Sinai Health System
Classification: Uncertain significance for Breast-ovarian cancer, familial, susceptibility to, 2. Review status: no assertion criteria provided. Collection method: clinical testing. Allele origin: unknown. Affected: yes. Study: The Canadian Open Genetics Repository (COGR). Not counted in ClinVar's aggregate classification.
Comment: The BRCA2 p.Ile1151Val variant was not identified in the literature, nor was it identified in the NHLBI Exome Sequencing Project (Exome Variant Server: 1000 Genomes), HGMD, LOVD, COSMIC, GeneInsight, VariantWire and UMD. The variant is listed in the dbSNP database (rs80358591) but no frequency information was provided, thus the prevalence of this variant in the general population could not be determined. This variant was identified in the Exome Aggregation Consortium (ExAC) database (released Oct 20th, 2014)in 1 of 66654 individuals from a population of European (Non-Finnish) and not found in East Asian, African, Latino, South Asian, European (Finnish) or Other individuals, The variant was identified in the BIC database (1X with unknown clinical importance); the ClinVar database (classified as a Uncertain significance by BIC and no classification was provided by Invitae). The p.Ile1151residue is not conserved in mammals and computational analyses (PolyPhen-2, SIFT, AlignGVGD, BLOSUM, MutationTaster) do not suggest a high likelihood of impact to the protein. However, this information is not predictive enough to rule out pathogenicity. The p.Ile1151Val variant occurs outside of the splicing consensus sequence and 1 of 5 in silico or computational prediction software programs (SpliceSiteFinder, MaxEntScan, NNSPLICE, GeneSplicer, HumanSpliceFinder) predict a greater than 10% difference in splicing; this is not very predictive of pathogenicity. In summary, based on the above information, the clinical significance of this variant cannot be determined with certainty at this time. This variant is classified as a variant of unknown significance.

Literature cited by the submitters: PubMed 31131967 (cited by Color Diagnostics, LLC DBA Color Health); PubMed 33471991 (cited by Color Diagnostics, LLC DBA Color Health).